The following is an entry in ClinVar:

ClinVar aggregate classification (germline): Benign/Likely benign. Review status: criteria provided, multiple submitters, no conflicts (2 of 4 stars). 9 submissions from 9 submitters: Benign (1); Likely benign (7). 1 of the submissions does not count toward it. Last evaluated 2026-02-17.

Conditions:
SCN1A-related disorder. Also called: SCN1A-related disorders; SCN1A-related conditions; SCN1A-related condition.
Early-infantile DEE. Also called: Ohtahara syndrome; Early infantile epileptic encephalopathy; Early infantile epileptic encephalopathy with suppression bursts. Identifiers: Orphanet 1934, MedGen C0393706, MONDO:0800491.
Global developmental delay (DD). Also called: Cognitive delay. Identifiers: MedGen C0557874, HP:0001263. Disease mechanism: loss of function.
Gait disturbance. Also called: Gait abnormality; Abnormal gait. Identifiers: MedGen C0575081, HP:0001288.
Abnormality of the nervous system. Also called: Congenital nervous system disorder. Identifiers: MedGen C0497552, MONDO:0002320, HP:0000707.
Atypical behavior. Also called: Behavioral disorders; Behavioral abnormality. Identifiers: MedGen C0004941, HP:0000708.
Impulsivity. Identifiers: MedGen C0021125, HP:0100710.
Aggressive behavior. Also called: Abnormal aggressive, impulsive or violent behavior. Identifiers: MedGen C0001807, HP:0000718.
Intellectual disability. Also called: Intellectual functioning disability; intellectual disabilities; Intellectual developmental disorder. Identifiers: MedGen C3714756, MeSH D008607, MONDO:0001071, HP:0001249.
Inborn genetic diseases. Identifiers: MedGen C0950123, MeSH D030342.
Epilepsy. Also called: Seizure disorder. Identifiers: MedGen C0014544, MeSH D004827, MONDO:0005027.

Allele frequency attached by ClinVar (database versions not stated): gnomAD 0.00015 and 0.00014; gnomAD exomes 0.00018 and 0.00011; 1000 Genomes Project 30x 0.00031; 1000 Genomes Project 0.00040; ESP Exome Variant Server 0.00008; ExAC 0.00009; TOPMed 0.00011.
gnomAD v4.1: 273 of 1,614,168 alleles (0.017%); highest among the groups gnomAD compares: Non-Finnish European, 0.022%; no homozygotes.

Submissions (19):

Women's Health and Genetics/Laboratory Corporation of America, LabCorp
Classification: Likely benign. Last evaluated: 2026-02-17. Review status: criteria provided, single submitter. Criteria: LabCorp Variant Classification Summary - May 2015. Collection method: clinical testing. Allele origin: germline.
Comment: Variant summary: SCN1A c.2770G>A (p.Ala924Thr) results in a non-conservative amino acid change in the encoded protein sequence. Algorithms developed to predict the effect of missense changes on protein structure and function are either unavailable or do not agree on the potential impact of this missense change. The variant allele was found at a frequency of 0.00017 in 1607194 control chromosomes (gnomAD). The observed variant frequency exceeds the estimated maximal expected allele frequency for disease-causing variants in SCN1A. c.2770G>A has been observed in 1/600 patients affected with epilepsy (Marques_2024), however no supportive evidence for causality was provided. These report(s) do not provide unequivocal conclusions about association of the variant with SCN1A-Related Seizure Disorder. To our knowledge, no experimental evidence demonstrating an impact on protein function has been reported. The following publication have been ascertained in the context of this evaluation (PMID: 39168079). ClinVar contains an entry for this variant (Variation ID: 206734). Based on the evidence outlined above, the variant was classified as likely benign.

CeGaT Center for Human Genetics Tuebingen
Classification: Likely benign. Last evaluated: 2026-02-01. Review status: criteria provided, single submitter. Criteria: CeGaT Center For Human Genetics Tuebingen Variant Classification Criteria Version 2. Collection method: clinical testing. Allele origin: germline. Affected: yes. Observed: 1 variant allele.
Comment: SCN1A: PP2, BS1

Labcorp Genetics (formerly Invitae), Labcorp
Classification: Likely benign for Early-infantile DEE. Last evaluated: 2026-01-19. Review status: criteria provided, single submitter. Criteria: Invitae Variant Classification Sherloc (09022015). Collection method: clinical testing. Allele origin: germline.

Blueprint Genetics
Classification: Likely benign. Last evaluated: 2024-09-12. Review status: criteria provided, single submitter. Criteria: ACMG Guidelines, 2015. Collection method: clinical testing. Allele origin: germline.

Cambridge Genomics Laboratory, East Genomic Laboratory Hub, NHS Genomic Medicine Service
Classification: Benign for Epilepsy. Last evaluated: 2020-07-13. Review status: criteria provided, single submitter. Criteria: ACGS Best Practice Guidelines for Variant Classification in Rare Disease 2020. Collection method: clinical testing. Allele origin: germline. Affected: yes. Observed: 1 variant allele.

GeneDx
Classification: Likely benign. Last evaluated: 2019-03-27. Review status: criteria provided, single submitter. Criteria: GeneDx Variant Classification Process June 2021. Collection method: clinical testing. Allele origin: germline. Affected: yes.
Comment: This variant is associated with the following publications: (PMID: 18930999)

Knight Diagnostic Laboratories, Oregon Health and Sciences University
Classification: Likely benign for Impulsivity; Aggressive behavior; Gait disturbance; Atypical behavior; Global developmental delay; Intellectual disability; Abnormality of the nervous system. Last evaluated: 2018-10-12. Review status: criteria provided, single submitter. Criteria: ACMG Guidelines, 2015. Collection method: clinical testing. Allele origin: germline. Observed: 1 variant allele.

Ambry Genetics
Classification: Likely benign for Inborn genetic diseases. Last evaluated: 2017-06-22. Review status: criteria provided, single submitter. Criteria: Ambry Variant Classification Scheme 2023. Collection method: clinical testing. Allele origin: germline.

PreventionGenetics, part of Exact Sciences
Classification: Likely benign for SCN1A-related condition. Last evaluated: 2023-09-06. Review status: no assertion criteria provided. Collection method: clinical testing. Allele origin: germline. Not counted in ClinVar's aggregate classification.
Comment: This variant is classified as likely benign based on ACMG/AMP sequence variant interpretation guidelines (Richards et al. 2015 PMID: 25741868, with internal and published modifications).

Channelopathy-Associated Epilepsy Research Center
No classification provided (evidence only). Review status: no classification provided. Collection method: in vitro. Allele origin: not applicable. Functional consequence: Decrease in peak current. Not counted in ClinVar's aggregate classification.

Channelopathy-Associated Epilepsy Research Center
No classification provided (evidence only). Review status: no classification provided. Collection method: in vitro. Allele origin: not applicable. Functional consequence: Normal voltage dependence of activation. Not counted in ClinVar's aggregate classification.

Channelopathy-Associated Epilepsy Research Center
No classification provided (evidence only). Review status: no classification provided. Collection method: in vitro. Allele origin: not applicable. Functional consequence: Normal slope of activation. Not counted in ClinVar's aggregate classification.

Channelopathy-Associated Epilepsy Research Center
No classification provided (evidence only). Review status: no classification provided. Collection method: in vitro. Allele origin: not applicable. Functional consequence: Depolarizing shift of voltage dependence of fast inactivation. Not counted in ClinVar's aggregate classification.

Channelopathy-Associated Epilepsy Research Center
No classification provided (evidence only). Review status: no classification provided. Collection method: in vitro. Allele origin: not applicable. Functional consequence: Normal slope of fast inactivation. Not counted in ClinVar's aggregate classification.

Channelopathy-Associated Epilepsy Research Center
No classification provided (evidence only). Review status: no classification provided. Collection method: in vitro. Allele origin: not applicable. Functional consequence: Normal rate of recovery from fast inactivation. Not counted in ClinVar's aggregate classification.

Channelopathy-Associated Epilepsy Research Center
No classification provided (evidence only). Review status: no classification provided. Collection method: in vitro. Allele origin: not applicable. Functional consequence: Normal current amplitude in use dependence. Not counted in ClinVar's aggregate classification.

Channelopathy-Associated Epilepsy Research Center
No classification provided (evidence only). Review status: no classification provided. Collection method: in vitro. Allele origin: not applicable. Functional consequence: Slowing of fast inactivation. Not counted in ClinVar's aggregate classification.

Channelopathy-Associated Epilepsy Research Center
No classification provided (evidence only). Review status: no classification provided. Collection method: in vitro. Allele origin: not applicable. Functional consequence: Normal ramp current. Not counted in ClinVar's aggregate classification.

Channelopathy-Associated Epilepsy Research Center
No classification provided (evidence only). Review status: no classification provided. Collection method: in vitro. Allele origin: not applicable. Functional consequence: Normal persistent current. Not counted in ClinVar's aggregate classification.

Literature cited by the submitters: PubMed 39168079 (cited by Women's Health and Genetics/Laboratory Corporation of America, LabCorp).

NM_001165963.4(SCN1A):c.2770G>A (p.Ala924Thr)

Gene: SCN1A (sodium voltage-gated channel alpha subunit 1; minus strand). Cytogenetic location: 2q24.3.
Variant type: single nucleotide variant.
Coding change: c.2770G>A on transcript NM_001165963.4 (MANE Select); coding-DNA position 2770, G replaced by A.
Protein change: p.Ala924Thr; replaces alanine 924 with threonine.
Molecular consequence: missense variant. On other transcripts: non-coding transcript variant (1).
Genome position (GRCh38, 1-based): chr2:166,037,952, C>T on the plus strand (G>A on the coding strand, the complement: SCN1A is on the minus strand). VCF-style: chr2-166037952-C-T. GRCh37 (hg19) VCF-style: chr2-166894462-C-T.
Other names: p.A924T:GCC>ACC; c.2686G>A, p.Ala896Thr (NM_001165964.3, NM_001353957.2, NM_001353958.2); c.2770G>A, p.Ala924Thr (NM_001202435.3, NM_001353948.2); c.2737G>A, p.Ala913Thr (NM_001353949.2, NM_001353950.2, NM_001353951.2 and 2 more transcripts); c.2734G>A, p.Ala912Thr (NM_001353954.2, NM_001353955.2); c.2683G>A, p.Ala895Thr (NM_001353960.2); c.328G>A, p.Ala110Thr (NM_001353961.2); c.2770G>A (NM_001202435.1); short protein forms A913T, A924T, A895T, A896T, A912T, A110T.
Identifiers: ClinVar variation 206734 (VCV000206734.27), dbSNP rs141950573, ClinGen allele CA317113.
Genomic context (GRCh38, chr2:166,037,952, plus strand): 5'-CAATCAGGAAGGAGTGGAAGAAGTCATTCATGTGCCAGCGTGGGAGTTGACAATCACTGG[C>T]GATCTTGCAGACACAATCTTTGTAGCTTTTACCAAAGAGCTGCATGCCGACCACGGCAAA-3'
Protein context (NP_001159435.1, residues 914-934): KSYKDCVCKI[Ala924Thr]SDCQLPRWHM